The following is an entry in ClinVar:

ClinVar aggregate classification (germline): Uncertain significance (1 of 4 stars; one submission).

Conditions:
Arrhythmogenic right ventricular dysplasia 11. Also called: Arrhythmogenic right ventricular dysplasia 11 with mild palmoplantar keratoderma and woolly hair; Arrhythmogenic Right Ventricular Dysplasia/Cardiomyopathy11; ARRHYTHMOGENIC RIGHT VENTRICULAR DYSPLASIA, FAMILIAL, 11. Identifiers: MedGen C1864850, MONDO:0012506, OMIM 610476.

Allele frequency attached by ClinVar (database versions not stated): gnomAD exomes below 0.00001.

Submission:

Labcorp Genetics (formerly Invitae), Labcorp
Classification: Uncertain significance for Arrhythmogenic right ventricular dysplasia 11. Last evaluated: 2021-08-07. Review status: criteria provided, single submitter. Criteria: Invitae Variant Classification Sherloc (09022015). Collection method: clinical testing. Allele origin: germline.
Comment: In summary, the available evidence is currently insufficient to determine the role of this variant in disease. Therefore, it has been classified as a Variant of Uncertain Significance. This sequence change replaces serine with arginine at codon 490 of the DSC2 protein (p.Ser490Arg). The serine residue is weakly conserved and there is a moderate physicochemical difference between serine and arginine. This variant is not present in population databases (ExAC no frequency). This variant has not been reported in the literature in individuals affected with DSC2-related conditions. Algorithms developed to predict the effect of missense changes on protein structure and function are either unavailable or do not agree on the potential impact of this missense change (SIFT: "Tolerated"; PolyPhen-2: "Possibly Damaging"; Align-GVGD: "Class C0").

NM_024422.6(DSC2):c.1470C>G (p.Ser490Arg)

Gene: DSC2 (desmocollin 2; minus strand). Cytogenetic location: 18q12.1.
Variant type: single nucleotide variant.
Coding change: c.1470C>G on transcript NM_024422.6 (MANE Select); coding-DNA position 1470, C replaced by G.
Protein change: p.Ser490Arg; replaces serine 490 with arginine.
Molecular consequence: missense variant.
Genome position (GRCh38, 1-based): chr18:31,080,146, G>C on the plus strand (C>G on the coding strand, the complement: DSC2 is on the minus strand). VCF-style: chr18-31080146-G-C. GRCh37 (hg19) VCF-style: chr18-28660112-G-C.
Other names: c.1470C>G, p.Ser490Arg (NM_004949.5); short protein forms S490R.
Identifiers: ClinVar variation 1373313 (VCV001373313.6), dbSNP rs1237446574, ClinGen allele CA402108432.